The following is an entry in ClinVar:

NM_001243133.2(NLRP3):c.2425G>A (p.Gly809Ser)

Gene: NLRP3 (NLR family pyrin domain containing 3; plus strand). Cytogenetic location: 1q44.
Variant type: single nucleotide variant.
Coding change: c.2425G>A on transcript NM_001243133.2 (MANE Select); coding-DNA position 2425, G replaced by A.
Protein change: p.Gly809Ser; replaces glycine 809 with serine.
Molecular consequence: missense variant.
Genome position (GRCh38, 1-based): chr1:247,434,206, G>A. VCF-style: chr1-247434206-G-A. GRCh37 (hg19) VCF-style: chr1-247597508-G-A.
Other names: c.2425G>A, p.Gly809Ser (NM_001079821.3, NM_001127461.3); c.2254G>A, p.Gly752Ser (NM_001127462.3, NM_183395.3); c.2431G>A, p.Gly811Ser (NM_004895.5); short protein forms G811S, G809S, G752S.
Identifiers: ClinVar variation 234291 (VCV000234291.16), dbSNP rs141389711, ClinGen allele CA1495237.

ClinVar aggregate classification (germline): Conflicting classifications of pathogenicity. Review status: criteria provided, conflicting classifications (1 of 4 stars). 5 submissions from 3 submitters: Uncertain significance (1); Benign (3); Likely benign (1). Last evaluated 2025-10-17.

Conditions:
Cryopyrin associated periodic syndrome (CAPS). Identifiers: Orphanet 208650, MedGen C2316212, MONDO:0016168.
Chronic infantile neurological, cutaneous and articular syndrome (CINCA). Also called: CHRONIC NEUROLOGIC CUTANEOUS AND ARTICULAR SYNDROME; CINCA syndrome; Prieur Griscelli syndrome; CRYOPYRIN-ASSOCIATED PERIODIC SYNDROME 3. Identifiers: Orphanet 1451, MedGen C0409818, MONDO:0011776, OMIM 607115.
Familial amyloid nephropathy with urticaria AND deafness (MWS). Also called: UDA SYNDROME; URTICARIA-DEAFNESS-AMYLOIDOSIS SYNDROME; MUCKLE-WELLS SYNDROME; Urticaria, deafness and amyloidosis; CRYOPYRIN-ASSOCIATED PERIODIC SYNDROME 2. Identifiers: Orphanet 575, MedGen C0268390, MONDO:0008633, OMIM 191900.
Familial cold autoinflammatory syndrome 1 (FCAS1). Also called: CRYOPYRIN-ASSOCIATED PERIODIC SYNDROME 1; Familial cold inflammatory syndrome 1. Identifiers: Orphanet 47045, MedGen C4551895, MONDO:0007349, OMIM 120100.

Allele frequency attached by ClinVar (database versions not stated): gnomAD 0.00006 and 0.00015; TOPMed 0.00007; gnomAD exomes 0.00008 and 0.00023; ExAC 0.00011; 1000 Genomes Project 30x 0.00016; 1000 Genomes Project 0.00020.
gnomAD v4.1: 347 of 1,614,230 alleles (0.021%); highest among the groups gnomAD compares: East Asian, 0.75%; 3 homozygotes.

Submissions (5):

Labcorp Genetics (formerly Invitae), Labcorp
Classification: Likely benign for Cryopyrin associated periodic syndrome. Last evaluated: 2025-10-17. Review status: criteria provided, single submitter. Criteria: Invitae Variant Classification Sherloc (09022015). Collection method: clinical testing. Allele origin: germline.

GeneDx
Classification: Uncertain significance. Last evaluated: 2022-09-22. Review status: criteria provided, single submitter. Criteria: GeneDx Variant Classification Process June 2021. Collection method: clinical testing. Allele origin: germline. Affected: yes.
Comment: Identified in patients with autoinflammatory disease or recurrent fever in published literature, however, clinical details were not available or reported symptoms were atypical for an NLRP3-related disorder (Kubota et al., 2013; Nakayama et al., 2017; Demir et al., 2020; Hidaka et al., 2021); In silico analysis supports that this missense variant has a deleterious effect on protein structure/function; Published functional studies demonstrate no significant increase in NF-kB reporter activity compared to wild-type, suggesting no damaging effect on gene function (Ohnishi et al., 2012; Kubota et al., 2013); Also known as c.2415G>A p.(G809S); This variant is associated with the following publications: (PMID: 33329557, 23015306, 32082075, 28421071, 32458238, 32552384, 28956000, 22193915, 31846928)

Illumina Laboratory Services, Illumina
Classification: Benign for Chronic infantile neurological, cutaneous and articular syndrome. Last evaluated: 2017-09-06. Review status: criteria provided, single submitter. Criteria: ICSL Variant Classification Criteria 13 December 2019. Collection method: clinical testing. Allele origin: germline.
Comment: This variant was observed as part of a predisposition screen in an ostensibly healthy population. A literature search was performed for the gene, cDNA change, and amino acid change (where applicable). Publications were found based on this search. The evidence from the literature, in combination with allele frequency data from public databases where available, was sufficient to rule this variant out of causing disease. Therefore, this variant is classified as benign.

Illumina Laboratory Services, Illumina
Classification: Benign for Familial cold autoinflammatory syndrome 1. Last evaluated: 2017-09-06. Review status: criteria provided, single submitter. Criteria: ICSL Variant Classification Criteria 13 December 2019. Collection method: clinical testing. Allele origin: germline.
Comment: the same text as in the submission from Illumina Laboratory Services, Illumina above.

Illumina Laboratory Services, Illumina
Classification: Benign for Familial amyloid nephropathy with urticaria AND deafness. Last evaluated: 2017-09-06. Review status: criteria provided, single submitter. Criteria: ICSL Variant Classification Criteria 13 December 2019. Collection method: clinical testing. Allele origin: germline.
Comment: the same text as in the submission from Illumina Laboratory Services, Illumina above.

Literature cited by the submitters: PubMed 22193915 (cited by Illumina Laboratory Services, Illumina); PubMed 23015306 (cited by Illumina Laboratory Services, Illumina).